The following is an entry in ClinVar:

ClinVar aggregate classification (germline): Uncertain significance. Review status: criteria provided, multiple submitters, no conflicts (2 of 4 stars). 2 submissions from 2 submitters: Uncertain significance (2). Last evaluated 2025-04-11.

gnomAD v4.1: 4 of 1,610,230 alleles (0.00025%); highest among the groups gnomAD compares: East Asian, 0.0022%; no homozygotes.

Submissions (2):

Labcorp Genetics (formerly Invitae), Labcorp
Classification: Uncertain significance. Last evaluated: 2025-04-11. Review status: criteria provided, single submitter. Criteria: Invitae Variant Classification Sherloc (09022015). Collection method: clinical testing. Allele origin: germline.
Comment: This sequence change replaces valine, which is neutral and non-polar, with leucine, which is neutral and non-polar, at codon 1477 of the DSCAML1 protein (p.Val1477Leu). This variant is present in population databases (no rsID available, gnomAD 0.006%). This variant has not been reported in the literature in individuals affected with DSCAML1-related conditions. ClinVar contains an entry for this variant (Variation ID: 2457514). An algorithm developed to predict the effect of missense changes on protein structure and function (PolyPhen-2) suggests that this variant is likely to be tolerated. In summary, the available evidence is currently insufficient to determine the role of this variant in disease. Therefore, it has been classified as a Variant of Uncertain Significance.

Ambry Genetics
Classification: Uncertain significance. Last evaluated: 2025-04-08. Review status: criteria provided, single submitter. Criteria: Ambry Variant Classification Scheme 2023. Collection method: clinical testing. Allele origin: germline.

NM_020693.4(DSCAML1):c.4249G>C (p.Val1417Leu)

Gene: DSCAML1 (DS cell adhesion molecule like 1; minus strand). Cytogenetic location: 11q23.3.
Variant type: single nucleotide variant.
Coding change: c.4249G>C on transcript NM_020693.4 (MANE Select); coding-DNA position 4249, G replaced by C.
Protein change: p.Val1417Leu; replaces valine 1417 with leucine.
Molecular consequence: missense variant.
Genome position (GRCh38, 1-based): chr11:117,438,078, C>G on the plus strand (G>C on the coding strand, the complement: DSCAML1 is on the minus strand). VCF-style: chr11-117438078-C-G. GRCh37 (hg19) VCF-style: chr11-117308794-C-G.
Other names: short protein forms V1417L.
Identifiers: ClinVar variation 2457514 (VCV002457514.6), dbSNP rs371067137, ClinGen allele CA229402418.
Genomic context (GRCh38, chr11:117,438,078, plus strand): 5'-CGCTGGAGCTGATGAACACATCCTTCCACTCCTCGCTGTTGTCCACCGAGTACTGTAGCA[C>G]GAAGCCTGCGGAGGGTAGGCCTGATTCAGGTGGGGGCAGGGCAGGGCAAGGCAGCAGAAG-3'
Protein context (NP_065744.3, residues 1407-1427): DNGGSSIRGF[Val1417Leu]LQYSVDNSEE